The following is an entry in ClinVar:

NM_001401501.2(MUC16):c.26882C>A (p.Ala8961Asp)

Gene: MUC16 (mucin 16, cell surface associated; minus strand). Cytogenetic location: 19p13.2.
Variant type: single nucleotide variant.
Coding change: c.26882C>A on transcript NM_001401501.2 (MANE Select); coding-DNA position 26882, C replaced by A.
Protein change: p.Ala8961Asp; replaces alanine 8961 with aspartic acid.
Molecular consequence: missense variant.
Genome position (GRCh38, 1-based): chr19:8,950,008, G>T on the plus strand (C>A on the coding strand, the complement: MUC16 is on the minus strand). VCF-style: chr19-8950008-G-T. GRCh37 (hg19) VCF-style: chr19-9060684-G-T.
Other names: c.27308C>A, p.Ala9103Asp (NM_001414686.1); c.26762C>A, p.Ala8921Asp (NM_001414687.1, NM_024690.2); short protein forms A8921D, A8961D, A9103D.
Identifiers: ClinVar variation 4820882 (VCV004820882.4).

ClinVar aggregate classification (germline): Likely benign (1 of 4 stars; one submission).

Submission:

CeGaT Center for Human Genetics Tuebingen
Classification: Likely benign. Last evaluated: 2026-01-01. Review status: criteria provided, single submitter. Criteria: CeGaT Center For Human Genetics Tuebingen Variant Classification Criteria Version 2. Collection method: clinical testing. Allele origin: germline. Affected: yes. Observed: 1 variant allele.
Comment: MUC16: BP4, BS1